The following is an entry in ClinVar:

NM_001371333.1(DIABLO):c.66G>C (p.Leu22Phe)

Gene: DIABLO (diablo IAP-binding mitochondrial protein; minus strand). Cytogenetic location: 12q24.31.
Variant type: single nucleotide variant.
Coding change: c.66G>C on transcript NM_001371333.1 (MANE Select); coding-DNA position 66, G replaced by C.
Protein change: p.Leu22Phe; replaces leucine 22 with phenylalanine.
Molecular consequence: missense variant. On other transcripts: intron variant (4).
Genome position (GRCh38, 1-based): chr12:122,224,629, C>G on the plus strand (G>C on the coding strand, the complement: DIABLO is on the minus strand). VCF-style: chr12-122224629-C-G. GRCh37 (hg19) VCF-style: chr12-122709176-C-G.
Other names: c.66G>C, p.Leu22Phe (NM_001278342.1, NM_019887.6); c.-37+1336G>C (NM_001278303.1); c.24+16G>C (NM_001278302.1, NM_138930.3, NM_001278304.2); short protein forms L22F.
Identifiers: ClinVar variation 2799295 (VCV002799295.3), dbSNP rs1226051871, ClinGen allele CA387046196.

ClinVar aggregate classification (germline): Uncertain significance (1 of 4 stars; one submission).

Allele frequency attached by ClinVar (database versions not stated): TOPMed 0.00001.

Submission:

Labcorp Genetics (formerly Invitae), Labcorp
Classification: Uncertain significance. Last evaluated: 2023-10-17. Review status: criteria provided, single submitter. Criteria: Invitae Variant Classification Sherloc (09022015). Collection method: clinical testing. Allele origin: germline.
Comment: This sequence change replaces leucine, which is neutral and non-polar, with phenylalanine, which is neutral and non-polar, at codon 22 of the DIABLO protein (p.Leu22Phe). This variant is not present in population databases (gnomAD no frequency). This variant has not been reported in the literature in individuals affected with DIABLO-related conditions. An algorithm developed to predict the effect of missense changes on protein structure and function (PolyPhen-2) suggests that this variant is likely to be tolerated. In summary, the available evidence is currently insufficient to determine the role of this variant in disease. Therefore, it has been classified as a Variant of Uncertain Significance.